The following is an entry in ClinVar:

NM_015375.3(DSTYK):c.434A>C (p.Glu145Ala)

Gene: DSTYK (dual serine/threonine and tyrosine protein kinase; minus strand). Cytogenetic location: 1q32.1.
Variant type: single nucleotide variant.
Coding change: c.434A>C on transcript NM_015375.3 (MANE Select); coding-DNA position 434, A replaced by C.
Protein change: p.Glu145Ala; replaces glutamic acid 145 with alanine.
Molecular consequence: missense variant.
Genome position (GRCh38, 1-based): chr1:205,187,638, T>G on the plus strand (A>C on the coding strand, the complement: DSTYK is on the minus strand). VCF-style: chr1-205187638-T-G. GRCh37 (hg19) VCF-style: chr1-205156766-T-G.
Other names: c.434A>C, p.Glu145Ala (NM_199462.3); short protein forms E145A.
Identifiers: ClinVar variation 3661035 (VCV003661035.2).

ClinVar aggregate classification (germline): Uncertain significance (1 of 4 stars; one submission).

Submission:

Labcorp Genetics (formerly Invitae), Labcorp
Classification: Uncertain significance. Last evaluated: 2024-07-31. Review status: criteria provided, single submitter. Criteria: Invitae Variant Classification Sherloc (09022015). Collection method: clinical testing. Allele origin: germline.
Comment: This sequence change replaces glutamic acid, which is acidic and polar, with alanine, which is neutral and non-polar, at codon 145 of the DSTYK protein (p.Glu145Ala). This variant is not present in population databases (gnomAD no frequency). This variant has not been reported in the literature in individuals affected with DSTYK-related conditions. An algorithm developed to predict the effect of missense changes on protein structure and function (PolyPhen-2) suggests that this variant is likely to be tolerated. In summary, the available evidence is currently insufficient to determine the role of this variant in disease. Therefore, it has been classified as a Variant of Uncertain Significance.